The following is an entry in ClinVar:

ClinVar aggregate classification (germline): Uncertain significance (1 of 4 stars; one submission).

Allele frequency attached by ClinVar (database versions not stated): gnomAD exomes 0.00001; TOPMed below 0.00001; ExAC 0.00001.
gnomAD v4.1: 4 of 1,613,838 alleles (0.00025%); highest among the groups gnomAD compares: Admixed American, 0.0067%; no homozygotes.

Submission:

Labcorp Genetics (formerly Invitae), Labcorp
Classification: Uncertain significance. Last evaluated: 2025-03-10. Review status: criteria provided, single submitter. Criteria: Invitae Variant Classification Sherloc (09022015). Collection method: clinical testing. Allele origin: germline.
Comment: This sequence change replaces lysine, which is basic and polar, with asparagine, which is neutral and polar, at codon 963 of the KMT2A protein (p.Lys963Asn). This variant is present in population databases (rs782604149, gnomAD 0.01%). This variant has not been reported in the literature in individuals affected with KMT2A-related conditions. ClinVar contains an entry for this variant (Variation ID: 2799611). Invitae Evidence Modeling of protein sequence and biophysical properties (such as structural, functional, and spatial information, amino acid conservation, physicochemical variation, residue mobility, and thermodynamic stability) has been performed for this missense variant. However, the output from this modeling did not meet the statistical confidence thresholds required to predict the impact of this variant on KMT2A protein function. In summary, the available evidence is currently insufficient to determine the role of this variant in disease. Therefore, it has been classified as a Variant of Uncertain Significance.

NM_001197104.2(KMT2A):c.2889G>C (p.Lys963Asn)

Gene: KMT2A (lysine methyltransferase 2A; plus strand). Cytogenetic location: 11q23.3.
Variant type: single nucleotide variant.
Coding change: c.2889G>C on transcript NM_001197104.2 (MANE Select); coding-DNA position 2889, G replaced by C.
Protein change: p.Lys963Asn; replaces lysine 963 with asparagine.
Molecular consequence: missense variant.
Genome position (GRCh38, 1-based): chr11:118,474,048, G>C. VCF-style: chr11-118474048-G-C. GRCh37 (hg19) VCF-style: chr11-118344763-G-C.
Other names: c.2988G>C, p.Lys996Asn (NM_001412597.1); c.2889G>C, p.Lys963Asn (NM_005933.4); short protein forms K963N, K996N.
Identifiers: ClinVar variation 2799611 (VCV002799611.3), dbSNP rs782604149, ClinGen allele CA6303574.